The following is an entry in ClinVar:

ClinVar aggregate classification (germline): Uncertain significance. Review status: criteria provided, multiple submitters, no conflicts (2 of 4 stars). 2 submissions from 2 submitters: Uncertain significance (2). Last evaluated 2024-11-11.

Conditions:
RYR1-related disorder. Also called: RYR1-related condition; RYR1-related disorders. Identifiers: MedGen CN239331.
Malignant hyperthermia, susceptibility to, 1 (MHS1). Also called: Anesthesia related hyperthermia; Malignant hyperpyrexia; Fulminating hyperpyrexia; Pharmacogenic myopathy; RYR1-Related Malignant Hyperthermia Susceptibility; Malignant hyperthermia suceptibility 1. Identifiers: Orphanet 423, MedGen C2930980, MONDO:0007783, OMIM 145600.

gnomAD v4.1: 5 of 1,613,750 alleles (0.00031%); highest among the groups gnomAD compares: South Asian, 0.0022%; no homozygotes.

Submissions (2):

Labcorp Genetics (formerly Invitae), Labcorp
Classification: Uncertain significance for RYR1-related disorder. Last evaluated: 2024-11-11. Review status: criteria provided, single submitter. Criteria: Invitae Variant Classification Sherloc (09022015). Collection method: clinical testing. Allele origin: germline.
Comment: This sequence change replaces alanine, which is neutral and non-polar, with serine, which is neutral and polar, at codon 4616 of the RYR1 protein (p.Ala4616Ser). This variant is present in population databases (rs769031788, gnomAD 0.006%). This variant has not been reported in the literature in individuals affected with RYR1-related conditions. Invitae Evidence Modeling of protein sequence and biophysical properties (such as structural, functional, and spatial information, amino acid conservation, physicochemical variation, residue mobility, and thermodynamic stability) indicates that this missense variant is not expected to disrupt RYR1 protein function with a negative predictive value of 80%. In summary, the available evidence is currently insufficient to determine the role of this variant in disease. Therefore, it has been classified as a Variant of Uncertain Significance.

Color Diagnostics, LLC DBA Color Health
Classification: Uncertain significance for Malignant hyperthermia, susceptibility to, 1. Last evaluated: 2023-07-26. Review status: criteria provided, single submitter. Criteria: ACMG Guidelines, 2015. Collection method: clinical testing. Allele origin: germline.
Comment: This missense variant replaces alanine with serine at codon 4616 of the RYR1 protein. Computational prediction suggests that this variant may not impact protein structure and function. To our knowledge, functional studies have not been reported for this variant. This variant has not been reported in individuals affected with RYR1-related disorders in the literature. This variant has been identified in 3/251440 chromosomes in the general population by the Genome Aggregation Database (gnomAD). The available evidence is insufficient to determine the role of this variant in disease conclusively. Therefore, this variant is classified as a Variant of Uncertain Significance.

NM_000540.3(RYR1):c.13846G>T (p.Ala4616Ser)

Gene: RYR1 (ryanodine receptor 1; plus strand). Cytogenetic location: 19q13.2.
Variant type: single nucleotide variant.
Coding change: c.13846G>T on transcript NM_000540.3 (MANE Select); coding-DNA position 13846, G replaced by T.
Protein change: p.Ala4616Ser; replaces alanine 4616 with serine.
Molecular consequence: missense variant.
Genome position (GRCh38, 1-based): chr19:38,572,118, G>T. VCF-style: chr19-38572118-G-T. GRCh37 (hg19) VCF-style: chr19-39062758-G-T.
Other names: c.13831G>T, p.Ala4611Ser (NM_001042723.2); short protein forms A4611S, A4616S.
Identifiers: ClinVar variation 3672820 (VCV003672820.3).